The following is an entry in ClinVar:

NM_001267550.2(TTN):c.94828+5G>C

Genes: TTN (titin; minus strand), TTN-AS1 (TTN antisense RNA 1; plus strand). Cytogenetic location: 2q31.2.
Variant type: single nucleotide variant.
Coding change: c.94828+5G>C on transcript NM_001267550.2 (MANE Select); 5 bases into the intron after coding-DNA position 94828, G replaced by C.
Molecular consequence: intron variant.
Genome position (GRCh38, 1-based): chr2:178,546,595, C>G on the plus strand (G>C on the coding strand, the complement: TTN is on the minus strand). VCF-style: chr2-178546595-C-G. GRCh37 (hg19) VCF-style: chr2-179411322-C-G.
Other names: c.67633+5G>C (NM_003319.4); c.68209+5G>C (NM_133437.4); c.68008+5G>C (NM_133432.3); c.87124+5G>C (NM_133378.4); c.89905+5G>C (NM_001256850.1).
Identifiers: ClinVar variation 3902899 (VCV003902899.1).

ClinVar aggregate classification (germline): Uncertain significance (1 of 4 stars; one submission).

Submission:

GeneDx
Classification: Uncertain significance. Last evaluated: 2024-12-11. Review status: criteria provided, single submitter. Criteria: GeneDx Variant Classification Process June 2021. Collection method: clinical testing. Allele origin: germline. Affected: yes.
Comment: Not observed at significant frequency in large population cohorts (gnomAD); In silico analysis supports a deleterious effect on splicing; Has not been previously published as pathogenic or benign to our knowledge; This variant is associated with the following publications: (PMID: 23975875)